The following is an entry in ClinVar:

ClinVar aggregate classification (germline): Benign (1 of 4 stars; one submission).

Allele frequency attached by ClinVar (database versions not stated): 1000 Genomes Project 0.54932; 1000 Genomes Project 30x 0.55075; TOPMed 0.60519; gnomAD 0.61172 and 0.61523.

Submission:

GeneDx
Classification: Benign. Last evaluated: 2018-06-19. Review status: criteria provided, single submitter. Criteria: GeneDx Variant Classification (06012015). Collection method: clinical testing. Allele origin: germline. Affected: yes.
Comment: This variant is considered likely benign or benign based on one or more of the following criteria: it is a conservative change, it occurs at a poorly conserved position in the protein, it is predicted to be benign by multiple in silico algorithms, and/or has population frequency not consistent with disease.

NM_003978.5(PSTPIP1):c.930-278T>C

Gene: PSTPIP1 (proline-serine-threonine phosphatase interacting protein 1; plus strand). Cytogenetic location: 15q24.3.
Variant type: single nucleotide variant.
Coding change: c.930-278T>C on transcript NM_003978.5 (MANE Select); 278 bases into the intron before coding-DNA position 930, T replaced by C.
Molecular consequence: intron variant.
Genome position (GRCh38, 1-based): chr15:77,035,230, T>C. VCF-style: chr15-77035230-T-C. GRCh37 (hg19) VCF-style: chr15-77327571-T-C.
Other names: c.1125-278T>C (NM_001321137.1); c.903-278T>C (NM_001321136.2); c.873-278T>C (NM_001321135.2).
Identifiers: ClinVar variation 668718 (VCV000668718.1), dbSNP rs9806416, ClinGen allele CA14106811.
Genomic context (GRCh38, chr15:77,035,230, plus strand): 5'-ACCCCCAAAGGGCCATGGGAGTCTTCCAATGAAGCTACAGCTTCGGGGGTTCTAGGATCC[T>C]CCCAAGGGCCCTGCAGGGAGCAGGTGCTGAGATGGCCTGCAGAGGGCGCCAGTGGAGGGC-3'